The following is an entry in ClinVar:

ClinVar aggregate classification (germline): Likely benign. Review status: criteria provided, multiple submitters, no conflicts (2 of 4 stars). 6 submissions from 6 submitters: Likely benign (3). 3 of the submissions do not count toward it. Last evaluated 2025-10-30.

Conditions:
ERBB4-related disorder. Also called: ERBB4-related condition.

Allele frequency attached by ClinVar (database versions not stated): 1000 Genomes Project 0.00040; 1000 Genomes Project 30x 0.00062; ExAC 0.00075; gnomAD exomes 0.00078 and 0.00108; gnomAD 0.00085 and 0.00089; TOPMed 0.00090; ESP Exome Variant Server 0.00100.
gnomAD v4.1: 1,692 of 1,612,618 alleles (0.1%); highest among the groups gnomAD compares: Admixed American, 0.13%; 4 homozygotes.

Submissions (6):

Labcorp Genetics (formerly Invitae), Labcorp
Classification: Likely benign. Last evaluated: 2025-10-30. Review status: criteria provided, single submitter. Criteria: Invitae Variant Classification Sherloc (09022015). Collection method: clinical testing. Allele origin: germline.

Blueprint Genetics
Classification: Likely benign. Last evaluated: 2024-10-03. Review status: criteria provided, single submitter. Criteria: ACMG Guidelines, 2015. Collection method: clinical testing. Allele origin: germline.

CeGaT Center for Human Genetics Tuebingen
Classification: Likely benign. Last evaluated: 2023-01-01. Review status: criteria provided, single submitter. Criteria: CeGaT Center For Human Genetics Tuebingen Variant Classification Criteria Version 2. Collection method: clinical testing. Allele origin: germline. Affected: yes. Observed: 1 variant allele.
Comment: ERBB4: BP4, BP7

PreventionGenetics, part of Exact Sciences
Classification: Likely benign for ERBB4-related condition. Last evaluated: 2022-06-29. Review status: no assertion criteria provided. Collection method: clinical testing. Allele origin: germline. Not counted in ClinVar's aggregate classification.
Comment: This variant is classified as likely benign based on ACMG/AMP sequence variant interpretation guidelines (Richards et al. 2015 PMID: 25741868, with internal and published modifications).

Clinical Genetics DNA and cytogenetics Diagnostics Lab, Erasmus MC, Erasmus Medical Center
Classification: Likely benign. Review status: no assertion criteria provided. Collection method: clinical testing. Allele origin: germline. Affected: yes. Study: VKGL Data-share Consensus. Not counted in ClinVar's aggregate classification.

Genome Diagnostics Laboratory, Amsterdam University Medical Center
Classification: Likely benign. Review status: no assertion criteria provided. Collection method: clinical testing. Allele origin: germline. Affected: yes. Study: VKGL Data-share Consensus. Not counted in ClinVar's aggregate classification.

NM_005235.3(ERBB4):c.1170C>T (p.Asn390=)

Gene: ERBB4 (erb-b2 receptor tyrosine kinase 4; minus strand). Cytogenetic location: 2q34.
Variant type: single nucleotide variant.
Coding change: c.1170C>T on transcript NM_005235.3 (MANE Select); coding-DNA position 1170, C replaced by T.
Protein change: p.Asn390=; no amino-acid change (asparagine 390 retained).
Molecular consequence: synonymous variant.
Genome position (GRCh38, 1-based): chr2:211,705,346, G>A on the plus strand (C>T on the coding strand, the complement: ERBB4 is on the minus strand). VCF-style: chr2-211705346-G-A. GRCh37 (hg19) VCF-style: chr2-212570071-G-A.
Other names: c.1170C>T, p.Asn390= (NM_001042599.2).
Identifiers: ClinVar variation 726675 (VCV000726675.36), dbSNP rs55923663, ClinGen allele CA2088212.